The following is an entry in ClinVar:

ClinVar aggregate classification (germline): Uncertain significance (1 of 4 stars; one submission).

Conditions:
Hereditary cancer-predisposing syndrome. Also called: Tumor predisposition; Hereditary Cancer Syndrome; Hereditary neoplastic syndrome; Neoplastic Syndromes, Hereditary. Identifiers: Orphanet 140162, MedGen C0027672, MeSH D009386, MONDO:0015356.

gnomAD v4.1: 1 of 1,614,112 alleles (0.000062%); highest among the groups gnomAD compares: Non-Finnish European, 0.000085%; no homozygotes.

Submission:

Ambry Genetics
Classification: Uncertain significance for Hereditary cancer-predisposing syndrome. Last evaluated: 2024-03-30. Review status: criteria provided, single submitter. Criteria: Ambry Variant Classification Scheme 2023. Collection method: clinical testing. Allele origin: germline.
Comment: The p.A1710G variant (also known as c.5129C>G), located in coding exon 23 of the DICER1 gene, results from a C to G substitution at nucleotide position 5129. The alanine at codon 1710 is replaced by glycine, an amino acid with similar properties. This amino acid position is conserved. In addition, this alteration is predicted to be deleterious by in silico analysis. Based on the available evidence, the clinical significance of this alteration remains unclear.

NM_177438.3(DICER1):c.5129C>G (p.Ala1710Gly)

Gene: DICER1 (dicer 1, ribonuclease III; minus strand). Cytogenetic location: 14q32.13.
Variant type: single nucleotide variant.
Coding change: c.5129C>G on transcript NM_177438.3 (MANE Select); coding-DNA position 5129, C replaced by G.
Protein change: p.Ala1710Gly; replaces alanine 1710 with glycine.
Molecular consequence: missense variant. On other transcripts: non-coding transcript variant (6).
Genome position (GRCh38, 1-based): chr14:95,094,123, G>C on the plus strand (C>G on the coding strand, the complement: DICER1 is on the minus strand). VCF-style: chr14-95094123-G-C. GRCh37 (hg19) VCF-style: chr14-95560460-G-C.
Other names: c.5129C>G, p.Ala1710Gly (NM_001195573.1, NM_001271282.3, NM_001291628.2 and 8 more transcripts); c.4847C>G, p.Ala1616Gly (NM_001395686.1); c.4724C>G, p.Ala1575Gly (NM_001395687.1, NM_001395688.1, NM_001395689.1 and 1 more transcripts); c.4562C>G, p.Ala1521Gly (NM_001395691.1); c.3446C>G, p.Ala1149Gly (NM_001395697.1); short protein forms A1149G, A1710G, A1616G, A1521G, A1575G.
Identifiers: ClinVar variation 3271994 (VCV003271994.1).